The following is an entry in ClinVar:

ClinVar aggregate classification (germline): Conflicting classifications of pathogenicity. Review status: criteria provided, conflicting classifications (1 of 4 stars). 3 submissions from 3 submitters: Pathogenic (1); Likely pathogenic (1); Uncertain significance (1). Last evaluated 2026-04-14.

Conditions:
Wilson disease (WND). Also called: Wilson's disease. Identifiers: Orphanet 905, MedGen C0019202, MONDO:0010200, OMIM 277900. Disease mechanism: loss of function.

Allele frequency attached by ClinVar (database versions not stated): TOPMed 0.00001.
gnomAD v4.1: 2 of 1,614,046 alleles (0.00012%); highest among the groups gnomAD compares: Non-Finnish European, 0.00017%; no homozygotes.

Submissions (3):

GeneDx
Classification: Uncertain significance. Last evaluated: 2026-04-14. Review status: criteria provided, single submitter. Criteria: GeneDx Variant Classification Process June 2021. Collection method: clinical testing. Allele origin: germline.
Comment: Not observed at significant frequency in large population cohorts (gnomAD); In silico analysis supports that this missense variant has a deleterious effect on protein structure/function; This variant is associated with the following publications: (PMID: 30097039, LildballeDL2026_Preprint)

Labcorp Genetics (formerly Invitae), Labcorp
Classification: Likely pathogenic for Wilson disease. Last evaluated: 2025-09-19. Review status: criteria provided, single submitter. Criteria: Invitae Variant Classification Sherloc (09022015). Collection method: clinical testing. Allele origin: germline.
Comment: This sequence change replaces aspartic acid, which is acidic and polar, with histidine, which is basic and polar, at codon 829 of the ATP7B protein (p.Asp829His). This variant is not present in population databases (gnomAD no frequency). This missense change has been observed in individual(s) with features of Wilson disease (internal data). ClinVar contains an entry for this variant (Variation ID: 2152193). Invitae Evidence Modeling of protein sequence and biophysical properties (such as structural, functional, and spatial information, amino acid conservation, physicochemical variation, residue mobility, and thermodynamic stability) indicates that this missense variant is expected to disrupt ATP7B protein function with a positive predictive value of 80%. This variant disrupts the p.Asp829 amino acid residue in ATP7B. Other variant(s) that disrupt this residue have been determined to be pathogenic (internal data). This suggests that this residue is clinically significant, and that variants that disrupt this residue are likely to be disease-causing. In summary, the currently available evidence indicates that the variant is pathogenic, but additional data are needed to prove that conclusively. Therefore, this variant has been classified as Likely Pathogenic.

Lildballe Lab, Aarhus University Hospital
Classification: Pathogenic for Wilson disease. Last evaluated: 2024-08-29. Review status: criteria provided, single submitter. Criteria: ACMG Guidelines, 2015. Collection method: clinical testing. Allele origin: germline. Affected: yes.
Comment: PM5, PP3, PM1, PP5, PM2

NM_000053.4(ATP7B):c.2485G>C (p.Asp829His)

Gene: ATP7B (ATPase copper transporting beta; minus strand). Cytogenetic location: 13q14.3.
Variant type: single nucleotide variant.
Coding change: c.2485G>C on transcript NM_000053.4 (MANE Select); coding-DNA position 2485, G replaced by C.
Protein change: p.Asp829His; replaces aspartic acid 829 with histidine.
Molecular consequence: missense variant.
Genome position (GRCh38, 1-based): chr13:51,950,362, C>G on the plus strand (G>C on the coding strand, the complement: ATP7B is on the minus strand). VCF-style: chr13-51950362-C-G. GRCh37 (hg19) VCF-style: chr13-52524498-C-G.
Other names: c.1999G>C, p.Asp667His (NM_001005918.3, NM_001406541.1, NM_001406542.1 and 1 more transcripts); c.2152G>C, p.Asp718His (NM_001243182.2); c.2251G>C, p.Asp751His (NM_001330578.2, NM_001406527.1, NM_001406528.1 and 2 more transcripts); c.2233G>C, p.Asp745His (NM_001330579.2, NM_001406531.1, NM_001406532.1 and 1 more transcripts); c.2485G>C, p.Asp829His (NM_001406511.1, NM_001406512.1, NM_001406513.1 and 7 more transcripts); c.2452G>C, p.Asp818His (NM_001406514.1); c.2308G>C, p.Asp770His (NM_001406524.1); c.2245G>C, p.Asp749His (NM_001406530.1); and 8 more; short protein forms D635H, D751H, D829H, D718H, D745H, D770H, D613H, D713H.
Identifiers: ClinVar variation 2152193 (VCV002152193.5), dbSNP rs181388674, ClinGen allele CA250058572.